The following is an entry in ClinVar:

ClinVar aggregate classification (germline): Uncertain significance (1 of 4 stars; one submission).

Submission:

Ambry Genetics
Classification: Uncertain significance. Last evaluated: 2025-09-03. Review status: criteria provided, single submitter. Criteria: Ambry Variant Classification Scheme 2023. Collection method: clinical testing. Allele origin: germline.
Comment: The c.940_941dupAA variant, located in coding exon 7 of the ATRIP gene, results from a duplication of AA at nucleotide position 940, causing a translational frameshift with a predicted alternate stop codon (p.N314Kfs*5). The evidence for this gene-disease relationship is limited; therefore, the clinical significance of this alteration is unclear.

NM_130384.3(ATRIP):c.940_941dup (p.Asn314fs)

Genes: ATRIP (ATR interacting protein; plus strand), ATRIP-TREX1 (ATRIP-TREX1 readthrough; plus strand). Cytogenetic location: 3p21.31.
Variant type: Duplication.
Coding change: c.940_941dup on transcript NM_130384.3 (MANE Select); coding-DNA positions 940 to 941, 2 bases duplicated (AA; older notation c.940_941dupAA).
Protein change: p.Asn314fs; shifts the reading frame from asparagine 314.
Molecular consequence: frameshift variant. On other transcripts: non-coding transcript variant (1).
Genome position (GRCh38, 1-based): chr3:48,459,801-48,459,802, AA duplicated; duplicating any 2 consecutive bases within chr3:48,459,800-48,459,802 gives the same sequence; the c. name uses the placement nearest the transcript's 3' end. VCF-style (leftmost placement, unchanged base first): chr3-48459799-T-TAA. GRCh37 (hg19) VCF-style: chr3-48501198-T-TAA.
Other names: c.559_560dup, p.Asn187fs (NM_001271022.2); c.661_662dup, p.Asn221fs (NM_001271023.2); c.940_941dup, p.Asn314fs (NM_032166.4); short protein forms N187fs, N221fs, N314fs.
Identifiers: ClinVar variation 4181926 (VCV004181926.1).
Genomic context (GRCh38, chr3:48,459,799, plus strand): 5'-AAAGATCTCCCATGTCAGAACCTTCTAGAGTCATCTTGTCTTCTGCAGGTTCCATTTTGA[T>TAA]AAACCTGCTCCTGAAGCAGCCTTTGATCCCAGGGTCATCCCTAAGCCTTTGCCACCTCCT-3'